The following is an entry in ClinVar:

ClinVar aggregate classification (germline): Uncertain significance (1 of 4 stars; one submission).

Conditions:
PCNT-related disorder. Also called: PCNT-related condition.

Submission:

PreventionGenetics, part of Exact Sciences
Classification: Uncertain significance for PCNT-related condition. Last evaluated: 2025-11-06. Review status: criteria provided, single submitter. Criteria: ACMG Guidelines, 2015. Collection method: clinical testing. Allele origin: germline.
Comment: The PCNT c.8854C>T variant is predicted to result in the amino acid substitution p.Leu2952Phe. To our knowledge, this variant has not been reported in the literature. This variant is reported in 0.0062% of alleles in individuals of African descent in gnomAD. At this time, the clinical significance of this variant is uncertain due to the absence of conclusive functional and genetic evidence.

NM_006031.6(PCNT):c.8854C>T (p.Leu2952Phe)

Gene: PCNT (pericentrin; plus strand). Cytogenetic location: 21q22.3.
Variant type: single nucleotide variant.
Coding change: c.8854C>T on transcript NM_006031.6 (MANE Select); coding-DNA position 8854, C replaced by T.
Protein change: p.Leu2952Phe; replaces leucine 2952 with phenylalanine.
Molecular consequence: missense variant.
Genome position (GRCh38, 1-based): chr21:46,436,006, C>T. VCF-style: chr21-46436006-C-T. GRCh37 (hg19) VCF-style: chr21-47855919-C-T.
Other names: c.8263C>T, p.Leu2755Phe (NM_001315529.2); short protein forms L2755F, L2952F.
Identifiers: ClinVar variation 4985193 (VCV004985193.1).
Genomic context (GRCh38, chr21:46,436,006, plus strand): 5'-AAGCAGCTTCAGCAGACAGTGAGAGACCTGGAGTCGAAGGACGAGGTGCCTGGCAGCCGC[C>T]TCCACCTAGGTTCTGCCCGCAGGGCTGCCGGCTCGGATGCGGACCACCTCCGGGAACAGC-3'
Protein context (NP_006022.3, residues 2942-2962): ESKDEVPGSR[Leu2952Phe]HLGSARRAAG